The following is an entry in ClinVar:

NM_004360.5(CDH1):c.2213A>G (p.Lys738Arg)

Gene: CDH1 (cadherin 1; plus strand). Cytogenetic location: 16q22.1.
Variant type: single nucleotide variant.
Coding change: c.2213A>G on transcript NM_004360.5 (MANE Select); coding-DNA position 2213, A replaced by G.
Protein change: p.Lys738Arg; replaces lysine 738 with arginine.
Molecular consequence: missense variant.
Genome position (GRCh38, 1-based): chr16:68,828,222, A>G. VCF-style: chr16-68828222-A-G. GRCh37 (hg19) VCF-style: chr16-68862125-A-G.
Other names: c.2030A>G, p.Lys677Arg (NM_001317184.2); c.665A>G, p.Lys222Arg (NM_001317185.2); c.248A>G, p.Lys83Arg (NM_001317186.2); short protein forms K677R, K738R, K83R, K222R.
Identifiers: ClinVar variation 1356324 (VCV001356324.8), dbSNP rs768163102, ClinGen allele CA8130229.

ClinVar aggregate classification (germline): Uncertain significance (1 of 4 stars; one submission).

Conditions:
Hereditary diffuse gastric adenocarcinoma (HDGC). Also called: DIFFUSE GASTRIC AND LOBULAR BREAST CANCER SYNDROME. Identifiers: Orphanet 26106, MedGen C1708349, MONDO:0007648, OMIM 137215.

Allele frequency attached by ClinVar (database versions not stated): gnomAD exomes below 0.00001; TOPMed below 0.00001; ExAC 0.00001.
gnomAD v4.1: 2 of 1,614,020 alleles (0.00012%); highest among the groups gnomAD compares: Admixed American, 0.0017%; no homozygotes.

Submission:

Labcorp Genetics (formerly Invitae), Labcorp
Classification: Uncertain significance for Hereditary diffuse gastric adenocarcinoma. Last evaluated: 2024-05-16. Review status: criteria provided, single submitter. Criteria: Invitae Variant Classification Sherloc (09022015). Collection method: clinical testing. Allele origin: germline.
Comment: This sequence change replaces lysine, which is basic and polar, with arginine, which is basic and polar, at codon 738 of the CDH1 protein (p.Lys738Arg). This variant is present in population databases (rs768163102, gnomAD 0.003%). This variant has not been reported in the literature in individuals affected with CDH1-related conditions. ClinVar contains an entry for this variant (Variation ID: 1356324). An algorithm developed to predict the effect of missense changes on protein structure and function (PolyPhen-2) suggests that this variant is likely to be disruptive. In summary, the available evidence is currently insufficient to determine the role of this variant in disease. Therefore, it has been classified as a Variant of Uncertain Significance.